The following is an entry in ClinVar:

NM_001292034.3(TAB2):c.565C>T (p.Arg189Cys)

Gene: TAB2 (TGF-beta activated kinase 1 (MAP3K7) binding protein 2; plus strand). Cytogenetic location: 6q25.1.
Variant type: single nucleotide variant.
Coding change: c.565C>T on transcript NM_001292034.3 (MANE Select); coding-DNA position 565, C replaced by T.
Protein change: p.Arg189Cys; replaces arginine 189 with cysteine.
Molecular consequence: missense variant.
Genome position (GRCh38, 1-based): chr6:149,378,480, C>T. VCF-style: chr6-149378480-C-T. GRCh37 (hg19) VCF-style: chr6-149699616-C-T.
Other names: c.469C>T, p.Arg157Cys (NM_001292035.3); c.565C>T, p.Arg189Cys (NM_001369506.1, NM_015093.6); short protein forms R189C, R157C.
Identifiers: ClinVar variation 2882350 (VCV002882350.3), dbSNP rs754720551, ClinGen allele CA4041416.

ClinVar aggregate classification (germline): Uncertain significance (1 of 4 stars; one submission).

Allele frequency attached by ClinVar (database versions not stated): gnomAD 0.00001; ExAC 0.00004; gnomAD exomes 0.00003; TOPMed 0.00004.
gnomAD v4.1: 45 of 1,614,024 alleles (0.0028%); highest among the groups gnomAD compares: Admixed American, 0.037%; no homozygotes.

Submission:

Labcorp Genetics (formerly Invitae), Labcorp
Classification: Uncertain significance. Last evaluated: 2025-11-26. Review status: criteria provided, single submitter. Criteria: Invitae Variant Classification Sherloc (09022015). Collection method: clinical testing. Allele origin: germline.
Comment: This sequence change replaces arginine, which is basic and polar, with cysteine, which is neutral and slightly polar, at codon 189 of the TAB2 protein (p.Arg189Cys). This variant is present in population databases (rs754720551, gnomAD 0.03%), and has an allele count higher than expected for a pathogenic variant. This variant has not been reported in the literature in individuals affected with TAB2-related conditions. ClinVar contains an entry for this variant (Variation ID: 2882350). Invitae Evidence Modeling of protein sequence and biophysical properties (such as structural, functional, and spatial information, amino acid conservation, physicochemical variation, residue mobility, and thermodynamic stability) indicates that this missense variant is not expected to disrupt TAB2 protein function with a negative predictive value of 80%. In summary, the available evidence is currently insufficient to determine the role of this variant in disease. Therefore, it has been classified as a Variant of Uncertain Significance.